The following is an entry in ClinVar:

ClinVar aggregate classification (germline): Uncertain significance (1 of 4 stars; one submission).

Allele frequency attached by ClinVar (database versions not stated): gnomAD exomes below 0.00001; ExAC 0.00001.
gnomAD v4.1: 5 of 1,204,883 alleles (0.00041%); highest among the groups gnomAD compares: Non-Finnish European, 0.00056%; no homozygotes.

Submission:

Labcorp Genetics (formerly Invitae), Labcorp
Classification: Uncertain significance. Last evaluated: 2023-06-20. Review status: criteria provided, single submitter. Criteria: Invitae Variant Classification Sherloc (09022015). Collection method: clinical testing. Allele origin: germline.
Comment: This sequence change replaces alanine, which is neutral and non-polar, with threonine, which is neutral and polar, at codon 84 of the PHEX protein (p.Ala84Thr). This variant is present in population databases (rs767642869, gnomAD 0.002%), including at least one homozygous and/or hemizygous individual. This missense change has been observed in individual(s) with X-Linked hypophosphatemia (Invitae). Advanced modeling of protein sequence and biophysical properties (such as structural, functional, and spatial information, amino acid conservation, physicochemical variation, residue mobility, and thermodynamic stability) performed at Invitae indicates that this missense variant is expected to disrupt PHEX protein function. This variant disrupts the p.Ala84 amino acid residue in PHEX. Other variant(s) that disrupt this residue have been observed in individuals with PHEX-related conditions (PMID: 25042154; Invitae), which suggests that this may be a clinically significant amino acid residue. In summary, the available evidence is currently insufficient to determine the role of this variant in disease. Therefore, it has been classified as a Variant of Uncertain Significance.

Literature cited by the submitters: PubMed 25042154.

NM_000444.6(PHEX):c.250G>A (p.Ala84Thr)

Gene: PHEX (phosphate regulating endopeptidase X-linked; plus strand). Cytogenetic location: Xp22.11.
Variant type: single nucleotide variant.
Coding change: c.250G>A on transcript NM_000444.6 (MANE Select); coding-DNA position 250, G replaced by A.
Protein change: p.Ala84Thr; replaces alanine 84 with threonine.
Molecular consequence: missense variant.
Genome position (GRCh38, 1-based): chrX:22,047,112, G>A. VCF-style: chrX-22047112-G-A. GRCh37 (hg19) VCF-style: chrX-22065230-G-A.
Other names: c.250G>A, p.Ala84Thr (NM_001282754.2); short protein forms A84T.
Identifiers: ClinVar variation 3006512 (VCV003006512.3), dbSNP rs767642869, ClinGen allele CA10368006.